The following is an entry in ClinVar:

NM_014727.3(KMT2B):c.3457T>G (p.Ser1153Ala)

Gene: KMT2B (lysine methyltransferase 2B; plus strand). Cytogenetic location: 19q13.12.
Variant type: single nucleotide variant.
Coding change: c.3457T>G on transcript NM_014727.3 (MANE Select); coding-DNA position 3457, T replaced by G.
Protein change: p.Ser1153Ala; replaces serine 1153 with alanine.
Molecular consequence: missense variant.
Genome position (GRCh38, 1-based): chr19:35,725,016, T>G. VCF-style: chr19-35725016-T-G. GRCh37 (hg19) VCF-style: chr19-36215917-T-G.
Other names: c.3457T>G (NM_014727.1); short protein forms S1153A.
Identifiers: ClinVar variation 1879432 (VCV001879432.33), dbSNP rs368009148, ClinGen allele CA9384764.

ClinVar aggregate classification (germline): Likely benign. Review status: criteria provided, multiple submitters, no conflicts (2 of 4 stars). 3 submissions from 3 submitters: Likely benign (3). Last evaluated 2026-05-01.

Conditions:
Inborn genetic diseases. Identifiers: MedGen C0950123, MeSH D030342.

Allele frequency attached by ClinVar (database versions not stated): gnomAD 0.00006; ESP Exome Variant Server 0.00008; TOPMed 0.00010; ExAC 0.00015.
gnomAD v4.1: 151 of 1,613,576 alleles (0.0094%); highest among the groups gnomAD compares: South Asian, 0.029%; no homozygotes.

Submissions (3):

CeGaT Center for Human Genetics Tuebingen
Classification: Likely benign. Last evaluated: 2026-05-01. Review status: criteria provided, single submitter. Criteria: CeGaT Center For Human Genetics Tuebingen Variant Classification Criteria Version 2. Collection method: clinical testing. Allele origin: germline. Affected: yes. Observed: 2 variant alleles.
Comment: KMT2B: BP4

Labcorp Genetics (formerly Invitae), Labcorp
Classification: Likely benign. Last evaluated: 2025-12-22. Review status: criteria provided, single submitter. Criteria: Invitae Variant Classification Sherloc (09022015). Collection method: clinical testing. Allele origin: germline.

Ambry Genetics
Classification: Likely benign for Inborn genetic diseases. Last evaluated: 2025-06-03. Review status: criteria provided, single submitter. Criteria: Ambry Variant Classification Scheme 2023. Collection method: clinical testing. Allele origin: germline.